The following is an entry in ClinVar:

ClinVar aggregate classification (germline): Pathogenic (1 of 4 stars; one submission).

Conditions:
Severe myoclonic epilepsy in infancy (DRVT). Also called: Dravet syndrome; Epileptic encephalopathy, early infantile, 6 (Dravet syndrome); SEVERE MYOCLONIC EPILEPSY OF INFANCY; DEVELOPMENTAL AND EPILEPTIC ENCEPHALOPATHY 6A; Severe Myoclonic Epilepsy in Infancy (SMEI). Identifiers: Orphanet 33069, MedGen C0751122, MONDO:0100135, OMIM 607208.

Submission:

Department of Child Neurology, National Center Hospital, National Center of Neurology and Psychiatry
Classification: Pathogenic for Severe myoclonic epilepsy in infancy. Last evaluated: 2024-12-16. Review status: criteria provided, single submitter. Criteria: ACMG Guidelines, 2015. Collection method: clinical testing. Allele origin: de novo. Inheritance: Sporadic. Affected: yes. Observed: 1 variant allele.
Comment: This variant introduces a premature stop codon, resulting in a truncating variant and is predicted to undergo nonsense-mediated mRNA decay (NMD). This variant was predicted to be deleterious by multiple in silico tools. Based on the American College of Medical Genetics and Genomics (ACMG) standards and guidelines, as well as recommendations from the ClinGen Sequence Variant Interpretation Working Group, this variant was classified as pathogenic.

NM_001165963.4(SCN1A):c.1013A>G (p.Asn338Ser)

Gene: SCN1A (sodium voltage-gated channel alpha subunit 1; minus strand). Cytogenetic location: 2q24.3.
Variant type: single nucleotide variant.
Coding change: c.1013A>G on transcript NM_001165963.4 (MANE Select); coding-DNA position 1013, A replaced by G.
Protein change: p.Asn338Ser; replaces asparagine 338 with serine.
Molecular consequence: missense variant. On other transcripts: 5 prime UTR variant (1), non-coding transcript variant (1).
Genome position (GRCh38, 1-based): chr2:166,048,901, T>C on the plus strand (A>G on the coding strand, the complement: SCN1A is on the minus strand). VCF-style: chr2-166048901-T-C. GRCh37 (hg19) VCF-style: chr2-166905411-T-C.
Other names: c.1013A>G, p.Asn338Ser (NM_001165964.3, NM_001202435.3, NM_001353948.2 and 10 more transcripts); c.-1413A>G (NM_001353961.2); short protein forms N338S.
Identifiers: ClinVar variation 3774335 (VCV003774335.1).